The following is an entry in ClinVar:

ClinVar aggregate classification (germline): Conflicting classifications of pathogenicity. Review status: criteria provided, conflicting classifications (1 of 4 stars). 4 submissions from 4 submitters: Uncertain significance (1); Benign (2); Likely benign (1). Last evaluated 2026-03-01.

Conditions:
Duchenne muscular dystrophy (DMD). Also called: Duchenne Muscular Dystrophy (DMD); MUSCULAR DYSTROPHY, PSEUDOHYPERTROPHIC PROGRESSIVE, DUCHENNE TYPE. Identifiers: Orphanet 98896, MedGen C0013264, MONDO:0010679, OMIM 310200.

Allele frequency attached by ClinVar (database versions not stated): gnomAD exomes 0.00009 and 0.00031; ExAC 0.00035; 1000 Genomes Project 30x 0.00104; ESP Exome Variant Server 0.00104; 1000 Genomes Project 0.00106; gnomAD 0.00112 and 0.00123; TOPMed 0.00129.
gnomAD v4.1: 221 of 1,192,129 alleles (0.019%); highest among the groups gnomAD compares: African/African-American, 0.38%; 1 homozygote.

Submissions (4):

CeGaT Center for Human Genetics Tuebingen
Classification: Likely benign. Last evaluated: 2026-03-01. Review status: criteria provided, single submitter. Criteria: CeGaT Center For Human Genetics Tuebingen Variant Classification Criteria Version 2. Collection method: clinical testing. Allele origin: germline. Affected: yes. Observed: 1 variant allele.
Comment: DMD: BS2

Labcorp Genetics (formerly Invitae), Labcorp
Classification: Benign for Duchenne muscular dystrophy. Last evaluated: 2026-01-27. Review status: criteria provided, single submitter. Criteria: Invitae Variant Classification Sherloc (09022015). Collection method: clinical testing. Allele origin: germline.

Women's Health and Genetics/Laboratory Corporation of America, LabCorp
Classification: Benign. Last evaluated: 2024-10-06. Review status: criteria provided, single submitter. Criteria: LabCorp Variant Classification Summary - May 2015. Collection method: clinical testing. Allele origin: germline.

GeneDx
Classification: Uncertain significance. Last evaluated: 2017-07-21. Review status: criteria provided, single submitter. Criteria: GeneDx Variant Classification (06012015). Collection method: clinical testing. Allele origin: germline. Affected: yes.
Comment: The c.3604-12 T>A variant has not been published as a pathogenic variant, nor has it been reported as a benign variant to our knowledge. The c.3604-12 T>A variant is observed in 27/8,035 (0.34%) alleles from individuals of African background, including multiple unrelated hemizygous individuals, in large population cohorts (Lek et al., 2016; 1000 Genomes Consortium et al., 2015; Exome Variant Server). Several in-silico splice prediction models predict that c.3604-12 T>A may damage or destroy the natural splice acceptor site and lead to abnormal gene splicing. However, in the absence of RNA/functional studies, the actual effect of this sequence change in this individual is unknown.

NM_004006.3(DMD):c.3604-12T>A

Gene: DMD (dystrophin; minus strand). Cytogenetic location: Xp21.1.
Variant type: single nucleotide variant.
Coding change: c.3604-12T>A on transcript NM_004006.3 (MANE Select); 12 bases into the intron before coding-DNA position 3604, T replaced by A.
Molecular consequence: intron variant.
Genome position (GRCh38, 1-based): chrX:32,448,650, A>T on the plus strand (T>A on the coding strand, the complement: DMD is on the minus strand). VCF-style: chrX-32448650-A-T. GRCh37 (hg19) VCF-style: chrX-32466767-A-T.
Other names: c.3580-12T>A (NM_000109.4); c.3592-12T>A (NM_004009.3); c.3235-12T>A (NM_004010.3).
Identifiers: ClinVar variation 379525 (VCV000379525.14), dbSNP rs183613970, ClinGen allele CA10379219.